The following is an entry in ClinVar:

ClinVar aggregate classification (germline): Likely benign. Review status: criteria provided, multiple submitters, no conflicts (2 of 4 stars). 2 submissions from 2 submitters: Likely benign (2). Last evaluated 2024-12-24.

Conditions:
Encephalopathy, acute, infection-induced (herpes-specific), susceptibility to, 1. Also called: Herpes simplex encephalitis, susceptibility to, 1. Identifiers: Orphanet 1930, MedGen C2750180, MONDO:0024563, OMIM 610551.

Allele frequency attached by ClinVar (database versions not stated): gnomAD 0.00002 and 0.00005; gnomAD exomes 0.00003.
gnomAD v4.1: 49 of 1,548,122 alleles (0.0032%); highest among the groups gnomAD compares: East Asian, 0.024%; no homozygotes.

Submissions (2):

Labcorp Genetics (formerly Invitae), Labcorp
Classification: Likely benign for Encephalopathy, acute, infection-induced (herpes-specific), susceptibility to, 1. Last evaluated: 2024-12-24. Review status: criteria provided, single submitter. Criteria: Invitae Variant Classification Sherloc (09022015). Collection method: clinical testing. Allele origin: germline.

CeGaT Center for Human Genetics Tuebingen
Classification: Likely benign. Last evaluated: 2023-07-01. Review status: criteria provided, single submitter. Criteria: CeGaT Center For Human Genetics Tuebingen Variant Classification Criteria Version 2. Collection method: clinical testing. Allele origin: germline. Affected: yes. Observed: 1 variant allele.
Comment: UNC93B1: BP4, BP7

NM_030930.4(UNC93B1):c.1215G>C (p.Leu405=)

Gene: UNC93B1 (unc-93B1 regulator of TLR signaling; minus strand). Cytogenetic location: 11q13.2.
Variant type: single nucleotide variant.
Coding change: c.1215G>C on transcript NM_030930.4 (MANE Select); coding-DNA position 1215, G replaced by C.
Protein change: p.Leu405=; no amino-acid change (leucine 405 retained).
Molecular consequence: synonymous variant.
Genome position (GRCh38, 1-based): chr11:67,995,759, C>G on the plus strand (G>C on the coding strand, the complement: UNC93B1 is on the minus strand). VCF-style: chr11-67995759-C-G. GRCh37 (hg19) VCF-style: chr11-67763230-C-G.
Identifiers: ClinVar variation 1090793 (VCV001090793.33), dbSNP rs1055846, ClinGen allele CA224212588.